The following is an entry in ClinVar:

ClinVar aggregate classification (germline): Likely benign. Review status: criteria provided, multiple submitters, no conflicts (2 of 4 stars). 4 submissions from 4 submitters: Likely benign (3). 1 of the submissions does not count toward it. Last evaluated 2025-12-16.

Conditions:
Inborn genetic diseases. Identifiers: MedGen C0950123, MeSH D030342.
SAMD9-related disorder. Also called: SAMD9-related condition.

Allele frequency attached by ClinVar (database versions not stated): ExAC 0.00007; gnomAD 0.00007; gnomAD exomes 0.00008; TOPMed 0.00009; 1000 Genomes Project 0.00020; 1000 Genomes Project 30x 0.00031.
gnomAD v4.1: 126 of 1,614,014 alleles (0.0078%); highest among the groups gnomAD compares: Admixed American, 0.012%; 1 homozygote.

Submissions (4):

Labcorp Genetics (formerly Invitae), Labcorp
Classification: Likely benign. Last evaluated: 2025-12-16. Review status: criteria provided, single submitter. Criteria: Invitae Variant Classification Sherloc (09022015). Collection method: clinical testing. Allele origin: germline.

Ambry Genetics
Classification: Likely benign for Inborn genetic diseases. Last evaluated: 2024-11-20. Review status: criteria provided, single submitter. Criteria: Ambry Variant Classification Scheme 2023. Collection method: clinical testing. Allele origin: germline.

Blueprint Genetics
Classification: Likely benign. Last evaluated: 2024-02-08. Review status: criteria provided, single submitter. Criteria: ACMG Guidelines, 2015. Collection method: clinical testing. Allele origin: germline.

PreventionGenetics, part of Exact Sciences
Classification: Likely benign for SAMD9-related condition. Last evaluated: 2021-09-07. Review status: no assertion criteria provided. Collection method: clinical testing. Allele origin: germline. Not counted in ClinVar's aggregate classification.
Comment: This variant is classified as likely benign based on ACMG/AMP sequence variant interpretation guidelines (Richards et al. 2015 PMID: 25741868, with internal and published modifications).

NM_017654.4(SAMD9):c.375G>A (p.Pro125=)

Gene: SAMD9 (sterile alpha motif domain containing 9; minus strand). Cytogenetic location: 7q21.2.
Variant type: single nucleotide variant.
Coding change: c.375G>A on transcript NM_017654.4 (MANE Select); coding-DNA position 375, G replaced by A.
Protein change: p.Pro125=; no amino-acid change (proline 125 retained).
Molecular consequence: synonymous variant.
Genome position (GRCh38, 1-based): chr7:93,105,723, C>T on the plus strand (G>A on the coding strand, the complement: SAMD9 is on the minus strand). VCF-style: chr7-93105723-C-T. GRCh37 (hg19) VCF-style: chr7-92735036-C-T.
Other names: c.375G>A, p.Pro125= (NM_001193307.2); c.375G>A (NM_017654.3).
Identifiers: ClinVar variation 1589615 (VCV001589615.12), dbSNP rs200242487, ClinGen allele CA4343153.